The following is an entry in ClinVar:

ClinVar aggregate classification (germline): Likely benign (1 of 4 stars; one submission).

Submission:

GeneDx
Classification: Likely benign. Last evaluated: 2021-05-16. Review status: criteria provided, single submitter. Criteria: GeneDx Variant Classification Process June 2021. Collection method: clinical testing. Allele origin: germline. Affected: yes.
Comment: See Variant Classification Assertion Criteria.

NM_015474.4(SAMHD1):c.626-63dup

Gene: SAMHD1 (SAM and HD domain containing deoxynucleoside triphosphate triphosphohydrolase 1; minus strand). Cytogenetic location: 20q11.23.
Variant type: Duplication.
Coding change: c.626-63dup on transcript NM_015474.4 (MANE Select); 63 bases into the intron before coding-DNA position 626, one base duplicated (A; older notation c.626-63dupA).
Molecular consequence: intron variant.
Genome position (GRCh38, 1-based): chr20:36,927,315, T duplicated on the plus strand (A on the coding strand, the reverse complement: SAMHD1 is on the minus strand); the first of 20 consecutive T bases (chr20:36,927,315-36,927,334); duplicating any one gives the same sequence. VCF-style (leftmost placement, unchanged base first): chr20-36927314-C-CT. GRCh37 (hg19) VCF-style: chr20-35555717-C-CT.
Other names: c.626-63dup (NM_001363729.2, NM_001363733.2).
Identifiers: ClinVar variation 1706887 (VCV001706887.2), dbSNP rs529639777, ClinGen allele CA510384854.